The following is an entry in ClinVar:

ClinVar aggregate classification (germline): Likely benign (1 of 4 stars; one submission).

Allele frequency attached by ClinVar (database versions not stated): ExAC 0.00001; gnomAD 0.00001; gnomAD exomes 0.00001; TOPMed 0.00001; 1000 Genomes Project 30x 0.00021; 1000 Genomes Project 0.00026.
gnomAD v4.1: 18 of 1,209,509 alleles (0.0015%); highest among the groups gnomAD compares: Middle Eastern, 0.023%; no homozygotes.

Submission:

CeGaT Center for Human Genetics Tuebingen
Classification: Likely benign. Last evaluated: 2022-07-01. Review status: criteria provided, single submitter. Criteria: CeGaT Center For Human Genetics Tuebingen Variant Classification Criteria Version 2. Collection method: clinical testing. Allele origin: germline. Affected: yes. Observed: 1 variant allele.
Comment: NLGN4X: BP4, BP7

NM_181332.3(NLGN4X):c.1053C>T (p.Asp351=)

Gene: NLGN4X (neuroligin 4 X-linked; minus strand). Cytogenetic location: Xp22.32.
Variant type: single nucleotide variant.
Coding change: c.1053C>T on transcript NM_181332.3 (MANE Select); coding-DNA position 1053, C replaced by T.
Protein change: p.Asp351=; no amino-acid change (aspartic acid 351 retained).
Molecular consequence: synonymous variant.
Genome position (GRCh38, 1-based): chrX:5,903,625, G>A on the plus strand (C>T on the coding strand, the complement: NLGN4X is on the minus strand). VCF-style: chrX-5903625-G-A. GRCh37 (hg19) VCF-style: chrX-5821666-G-A.
Other names: c.1053C>T, p.Asp351= (NM_001282145.2, NM_001282146.2, NM_020742.4).
Identifiers: ClinVar variation 2659903 (VCV002659903.24), dbSNP rs200351328, ClinGen allele CA10341075.
Genomic context (GRCh38, chrX:5,903,625, plus strand): 5'-GACGCCCAGCATGATGTCGTAGTTGAGGAACTCGCCTTGCTCCATCAGGATCTGGGGGTC[G>A]TCTGGGATGACGTCGCCGTCGATCACCGGCCCGAAGGCTATGTGGTAGGTGGCCGGGGTG-3'
Protein context (NP_851849.1, residues 341-361): GPVIDGDVIP[Asp351=]DPQILMEQGE